The following is an entry in ClinVar:

ClinVar aggregate classification (germline): Pathogenic/Likely pathogenic. Review status: criteria provided, multiple submitters, no conflicts (2 of 4 stars). 3 submissions from 3 submitters: Pathogenic (1); Likely pathogenic (2). Last evaluated 2024-12-27.

Conditions:
EIF2B5-related disorders.
Vanishing white matter disease. Also called: CACH syndrome; Childhood ataxia with diffuse central nervous system hypomyelination; Leukoencephalopathy with vanishing white matter; CACH/VWM syndrome; Cree leukoencehalopathy. Identifiers: Orphanet 135, Orphanet 99853, MedGen C1858991, MONDO:0800448.

gnomAD v4.1: 3 of 1,614,150 alleles (0.00019%); highest among the groups gnomAD compares: Non-Finnish European, 0.00025%; no homozygotes.

Submissions (3):

Natera, Inc.
Classification: Likely pathogenic for Leukoencephalopathy with vanishing white matter. Last evaluated: 2024-12-27. Review status: criteria provided, single submitter. Criteria: Natera Variant Classification Schema (03/2026). Collection method: clinical testing. Allele origin: germline.
Comment: The c.361C>T variant in EIF2B5 is a nonsense variant predicted to introduce a stop codon at amino acid 121. This variant is expected to result in nonsense mediated decay, truncation, or a dysfunctional protein product. This variant is rare in the general population with a frequency below the threshold expected for the associated phenotype(s). Given the available evidence, this variant is classified as Likely Pathogenic.

Blueprint Genetics
Classification: Likely pathogenic for EIF2B5-related disorders. Last evaluated: 2020-12-20. Review status: criteria provided, single submitter. Criteria: ACMG Guidelines, 2015. Collection method: clinical testing. Allele origin: germline. Affected: yes. Observed: 1 variant allele.

Labcorp Genetics (formerly Invitae), Labcorp
Classification: Pathogenic. Last evaluated: 2020-10-23. Review status: criteria provided, single submitter. Criteria: Invitae Variant Classification Sherloc (09022015). Collection method: clinical testing. Allele origin: germline.
Comment: For these reasons, this variant has been classified as Pathogenic. This variant has not been reported in the literature in individuals with EIF2B5-related conditions. This variant is not present in population databases (ExAC no frequency). This sequence change creates a premature translational stop signal (p.Arg121*) in the EIF2B5 gene. It is expected to result in an absent or disrupted protein product. Loss-of-function variants in EIF2B5 are known to be pathogenic (PMID: 11704758, 15060152, 21307862).

Literature cited by the submitters: PubMed 11704758 (cited by Labcorp Genetics (formerly Invitae), Labcorp); PubMed 15060152 (cited by Labcorp Genetics (formerly Invitae), Labcorp); PubMed 21307862 (cited by Labcorp Genetics (formerly Invitae), Labcorp).

NM_003907.3(EIF2B5):c.361C>T (p.Arg121Ter)

Gene: EIF2B5 (eukaryotic translation initiation factor 2B subunit epsilon; plus strand). Cytogenetic location: 3q27.1.
Variant type: single nucleotide variant.
Coding change: c.361C>T on transcript NM_003907.3 (MANE Select); coding-DNA position 361, C replaced by T.
Protein change: p.Arg121Ter; replaces arginine 121 with a stop codon.
Molecular consequence: nonsense.
Genome position (GRCh38, 1-based): chr3:184,137,660, C>T. VCF-style: chr3-184137660-C-T. GRCh37 (hg19) VCF-style: chr3-183855448-C-T.
Other names: c.361C>T (NM_003907.2); short protein forms R121*.
Identifiers: ClinVar variation 1070707 (VCV001070707.9), dbSNP rs1030566286, ClinGen allele CA355381800.